The following is an entry in ClinVar:

ClinVar aggregate classification (germline): Conflicting classifications of pathogenicity. Review status: criteria provided, conflicting classifications (1 of 4 stars). 25 submissions from 21 submitters: Uncertain significance (2); Benign (10); Likely benign (8). 5 of the submissions do not count toward it. Last evaluated 2026-09-01.

Conditions:
Cardiovascular phenotype. Identifiers: MedGen CN230736.
Autosomal recessive limb-girdle muscular dystrophy type 2J (LGMDR10). Also called: MUSCULAR DYSTROPHY, LIMB-GIRDLE, AUTOSOMAL RECESSIVE 10; Limb-girdle muscular dystrophy, type 2J. Identifiers: Orphanet 140922, MedGen C1837342, MONDO:0012127, OMIM 608807.
Dilated cardiomyopathy 1G (CMD1G). Identifiers: Orphanet 154, MedGen C1858763, MONDO:0011400, OMIM 604145.
Cardiomyopathy (CMYO). Also called: Cardiomyopathies. Identifiers: Orphanet 167848, MedGen C0878544, MONDO:0004994, HP:0001638. Inheritance: Various modes of inheritance.
Early-onset myopathy with fatal cardiomyopathy (CMYO5). Also called: CONGENITAL MYOPATHY 5 WITH CARDIOMYOPATHY; Salih Myopathy. Identifiers: Orphanet 289377, MedGen C2673677, MONDO:0012714, OMIM 611705. Disease mechanism: loss of function.
Myopathy, myofibrillar, 9, with early respiratory failure (MFM9). Also called: Myopathy, distal, with early respiratory failure, autosomal dominant; Hereditary myopathy with early respiratory failure; EDSTROM MYOPATHY; MYOPATHY, PROXIMAL, WITH EARLY RESPIRATORY MUSCLE INVOLVEMENT. Identifiers: Orphanet 178464, Orphanet 34521, MedGen C1863599, MONDO:0011362, OMIM 603689.
Tibial muscular dystrophy (TMD). Also called: Tibial muscular dystrophy, tardive; Udd Distal Myopathy – Tibial Muscular Dystrophy; UDD MYOPATHY. Identifiers: Orphanet 609, MedGen C1838244, MONDO:0010870, OMIM 600334.

Allele frequency attached by ClinVar (database versions not stated): TOPMed 0.00293; gnomAD 0.00347 and 0.00364; ExAC 0.00479; ESP Exome Variant Server 0.00372; 1000 Genomes Project 30x 0.00094; gnomAD exomes 0.00399; 1000 Genomes Project 0.00080.
gnomAD v4.1: 6,833 of 1,608,610 alleles (0.42%); highest among the groups gnomAD compares: Non-Finnish European, 0.5%; 26 homozygotes.

Submissions (25):

CeGaT Center for Human Genetics Tuebingen
Classification: Likely benign. Last evaluated: 2026-09-01. Review status: criteria provided, single submitter. Criteria: CeGaT Center For Human Genetics Tuebingen Variant Classification Criteria Version 2. Collection method: clinical testing. Allele origin: germline. Affected: yes. Observed: 57 variant alleles.
Comment: TTN: BP4, BS2

Labcorp Genetics (formerly Invitae), Labcorp
Classification: Benign for Dilated cardiomyopathy 1G; Autosomal recessive limb-girdle muscular dystrophy type 2J. Last evaluated: 2026-02-03. Review status: criteria provided, single submitter. Criteria: Invitae Variant Classification Sherloc (09022015). Collection method: clinical testing. Allele origin: germline.

Molecular Diagnostic Laboratory for Inherited Cardiovascular Disease, Montreal Heart Institute
Classification: Benign. Last evaluated: 2025-04-09. Review status: criteria provided, single submitter. Criteria: ACMG Guidelines, 2015. Collection method: clinical testing. Allele origin: germline. Affected: no.

Mayo Clinic Laboratories, Mayo Clinic
Classification: Likely benign. Last evaluated: 2025-03-04. Review status: criteria provided, single submitter. Criteria: ACMG Guidelines, 2015. Collection method: clinical testing. Allele origin: germline. Observed: 27 variant alleles.
Comment: BS1, BP4_moderate

Blueprint Genetics
Classification: Likely benign. Last evaluated: 2024-11-26. Review status: criteria provided, single submitter. Criteria: ACMG Guidelines, 2015. Collection method: clinical testing. Allele origin: germline.

ARUP Laboratories, Molecular Genetics and Genomics, ARUP Laboratories
Classification: Likely benign. Last evaluated: 2024-10-17. Review status: criteria provided, single submitter. Criteria: ARUP Molecular Germline Variant Investigation Process 2024. Collection method: clinical testing. Allele origin: germline.

Athena Diagnostics
Classification: Benign. Last evaluated: 2021-04-01. Review status: criteria provided, single submitter. Criteria: Athena Diagnostics criteria. Collection method: clinical testing. Allele origin: unknown.

Ambry Genetics
Classification: Benign for Cardiovascular phenotype. Last evaluated: 2020-07-29. Review status: criteria provided, single submitter. Criteria: Ambry Autosomal Dominant and X-Linked criteria (7/2020). Collection method: clinical testing. Allele origin: germline. Observed: 1 variant allele.
Comment: General population or subpopulation frequency is too high to be a pathogenic mutation based on disease/syndrome prevalence and penetrance

Women's Health and Genetics/Laboratory Corporation of America, LabCorp
Classification: Likely benign. Last evaluated: 2020-07-06. Review status: criteria provided, single submitter. Criteria: LabCorp Variant Classification Summary - May 2015. Collection method: clinical testing. Allele origin: germline.
Comment: Variant summary: TTN c.65227A>G (p.Thr21743Ala) results in a non-conservative amino acid change located in the A-band region of the encoded protein sequence. Four of five in-silico tools predict a benign effect of the variant on protein function. The variant allele was found at a frequency of 0.004 in 244666 control chromosomes in the gnomAD database, including 3 homozygotes. The observed variant frequency is approximately 6.4- fold the estimated maximal expected allele frequency for a pathogenic variant in TTN causing Cardiomyopathy phenotype (0.00063), strongly suggesting that the variant is benign. c.65227A>G has been reported in the literature in individuals affected with Cardiomyopathy (examples- Lopes_2013, Pugh_2014, Campuzano_2015). These reports do not provide unequivocal conclusions about association of the variant with Cardiomyopathy. To our knowledge, no experimental evidence demonstrating an impact on protein function has been reported. 13 clinical diagnostic laboratories have submitted clinical-significance assessments for this variant to ClinVar after 2014 without evidence for independent evaluation. Multiple laboratories reported the variant with conflicting assessments (benign, n=7; likely benign, n=4; uncertain significance, n=2). Based on the evidence outlined above, the variant was classified as likely benign.

CHEO Genetics Diagnostic Laboratory, Children's Hospital of Eastern Ontario
Classification: Benign for Cardiomyopathy. Last evaluated: 2018-01-29. Review status: criteria provided, single submitter. Criteria: ACMG Guidelines, 2015. Collection method: clinical testing. Allele origin: germline.

Illumina Laboratory Services, Illumina
Classification: Benign for Myopathy, myofibrillar, 9, with early respiratory failure. Last evaluated: 2017-04-27. Review status: criteria provided, single submitter. Criteria: ICSL Variant Classification Criteria 13 December 2019. Collection method: clinical testing. Allele origin: germline.
Comment: This variant was observed as part of a predisposition screen in an ostensibly healthy population. A literature search was performed for the gene, cDNA change, and amino acid change (where applicable). No publications were found based on this search. Allele frequency data from public databases was too high to be consistent with this variant causing disease. Therefore, this variant is classified as benign.

Illumina Laboratory Services, Illumina
Classification: Likely benign for Dilated cardiomyopathy 1G. Last evaluated: 2017-04-27. Review status: criteria provided, single submitter. Criteria: ICSL Variant Classification Criteria 13 December 2019. Collection method: clinical testing. Allele origin: germline.
Comment: This variant was observed as part of a predisposition screen in an ostensibly healthy population. A literature search was performed for the gene, cDNA change, and amino acid change (where applicable). No publications were found based on this search. Allele frequency data from public databases allowed determination this variant is unlikely to cause disease. Therefore, this variant is classified as likely benign.

Illumina Laboratory Services, Illumina
Classification: Uncertain significance for Autosomal recessive limb-girdle muscular dystrophy type 2J. Last evaluated: 2017-04-27. Review status: criteria provided, single submitter. Criteria: ICSL Variant Classification Criteria 13 December 2019. Collection method: clinical testing. Allele origin: germline.

Illumina Laboratory Services, Illumina
Classification: Uncertain significance for Early-onset myopathy with fatal cardiomyopathy. Last evaluated: 2017-04-27. Review status: criteria provided, single submitter. Criteria: ICSL Variant Classification Criteria 13 December 2019. Collection method: clinical testing. Allele origin: germline.

Illumina Laboratory Services, Illumina
Classification: Benign for Tibial muscular dystrophy. Last evaluated: 2017-04-27. Review status: criteria provided, single submitter. Criteria: ICSL Variant Classification Criteria 13 December 2019. Collection method: clinical testing. Allele origin: germline.
Comment: the same text as in the submission from Illumina Laboratory Services, Illumina above.

GeneDx
Classification: Benign. Last evaluated: 2016-11-28. Review status: criteria provided, single submitter. Criteria: GeneDx Variant Classification (06012015). Collection method: clinical testing. Allele origin: germline. Affected: yes.
Comment: This variant is considered likely benign or benign based on one or more of the following criteria: it is a conservative change, it occurs at a poorly conserved position in the protein, it is predicted to be benign by multiple in silico algorithms, and/or has population frequency not consistent with disease.

Eurofins Ntd Llc (ga)
Classification: Likely benign. Last evaluated: 2015-06-10. Review status: criteria provided, single submitter. Criteria: EGL Classification Definitions 2015. Collection method: clinical testing. Allele origin: germline. Observed: 2 variant alleles, 2 heterozygotes.

Laboratory for Molecular Medicine, Mass General Brigham Personalized Medicine
Classification: Benign. Last evaluated: 2015-03-30. Review status: criteria provided, single submitter. Criteria: LMM Criteria. Collection method: clinical testing. Allele origin: germline. Observed: 13 variant alleles.
Comment: p.Thr21743Ala in exon 275 of TTN: This variant is not expected to have clinical significance because it has been identified in 0.9% (60/6610) of Finnish chromos omes and 0.7% (477/65890) European chromosomes, including two homozygous individ uals, by the Exome Aggregation Consortium (ExAC; dbSNP rs56201325).

Genetic Services Laboratory, University of Chicago
Classification: Likely benign. Last evaluated: 2015-02-10. Review status: criteria provided, single submitter. Criteria: ACMG Guidelines, 2015. Collection method: clinical testing. Allele origin: germline.

Biesecker Lab/Clinical Genomics Section, National Institutes of Health
Classification: Benign. Last evaluated: 2013-06-24. Review status: criteria provided, single submitter. Criteria: Ng et al. (Circ Cardiovasc Genet. 2013). Collection method: research. Allele origin: unknown. Observed: 6 variant alleles. Study: ClinSeq.
Comment: The study set was not selected for affection status in relation to any cancer. Pathogenicity categories were based on literature curation. See Pubmed ID:23861362 for details.

Medical sequencing

Clinical Genetics DNA and cytogenetics Diagnostics Lab, Erasmus MC, Erasmus Medical Center
Classification: Benign. Review status: no assertion criteria provided. Collection method: clinical testing. Allele origin: germline. Affected: yes. Study: VKGL Data-share Consensus. Not counted in ClinVar's aggregate classification.

Clinical Genetics, Academic Medical Center
Classification: Benign. Review status: no assertion criteria provided. Collection method: clinical testing. Allele origin: germline. Affected: yes. Study: VKGL Data-share Consensus. Not counted in ClinVar's aggregate classification.

Diagnostic Laboratory, Department of Genetics, University Medical Center Groningen
Classification: Likely benign. Review status: no assertion criteria provided. Collection method: clinical testing. Allele origin: germline. Affected: yes. Study: VKGL Data-share Consensus. Not counted in ClinVar's aggregate classification.

Genome Diagnostics Laboratory, University Medical Center Utrecht
Classification: Likely benign. Review status: no assertion criteria provided. Collection method: clinical testing. Allele origin: germline. Affected: yes. Study: VKGL Data-share Consensus. Not counted in ClinVar's aggregate classification.

Joint Genome Diagnostic Labs from Nijmegen and Maastricht, Radboudumc and MUMC+
Classification: Benign. Review status: no assertion criteria provided. Collection method: clinical testing. Allele origin: germline. Affected: yes. Study: VKGL Data-share Consensus. Not counted in ClinVar's aggregate classification.

Literature cited by the submitters: PubMed 26516846 (cited by Athena Diagnostics and Women's Health and Genetics/Laboratory Corporation of America, LabCorp); PubMed 25016126 (cited by Athena Diagnostics and Ambry Genetics); PubMed 23861362 (cited by Athena Diagnostics and Ambry Genetics); PubMed 23396983 (cited by 3 submitters); PubMed 24503780 (cited by 3 submitters).

NM_001267550.2(TTN):c.72931A>G (p.Thr24311Ala)

Genes: TTN (titin; minus strand), TTN-AS1 (TTN antisense RNA 1; plus strand). Cytogenetic location: 2q31.2.
Variant type: single nucleotide variant.
Coding change: c.72931A>G on transcript NM_001267550.2 (MANE Select); coding-DNA position 72931, A replaced by G.
Protein change: p.Thr24311Ala; replaces threonine 24311 with alanine.
Molecular consequence: missense variant.
Genome position (GRCh38, 1-based): chr2:178,573,201, T>C on the plus strand (A>G on the coding strand, the complement: TTN is on the minus strand). VCF-style: chr2-178573201-T-C. GRCh37 (hg19) VCF-style: chr2-179437928-T-C.
Other names: p.T22670A:ACC>GCC; c.68008A>G, p.Thr22670Ala (NM_001256850.1); c.65227A>G, p.Thr21743Ala (NM_133378.4); c.45736A>G, p.Thr15246Ala (NM_003319.4); c.46111A>G, p.Thr15371Ala (NM_133432.3); c.46312A>G, p.Thr15438Ala (NM_133437.4); short protein forms T24311A, T21743A, T22670A, T15246A, T15371A, T15438A.
Identifiers: ClinVar variation 47318 (VCV000047318.95), dbSNP rs56201325, ClinGen allele CA140669.